The following is an entry in ClinVar:

NM_002256.4(KISS1):c.-38-100C>A

Gene: KISS1 (KiSS-1 metastasis suppressor; minus strand). Cytogenetic location: 1q32.1.
Variant type: single nucleotide variant.
Coding change: c.-38-100C>A on transcript NM_002256.4 (MANE Select); 100 bases into the intron before 38 bases upstream of the start codon, C replaced by A.
Molecular consequence: intron variant.
Genome position (GRCh38, 1-based): chr1:204,193,014, G>T on the plus strand (C>A on the coding strand, the complement: KISS1 is on the minus strand). VCF-style: chr1-204193014-G-T. GRCh37 (hg19) VCF-style: chr1-204162142-G-T.
Identifiers: ClinVar variation 676952 (VCV000676952.2), dbSNP rs10158616, ClinGen allele CA35752709.

ClinVar aggregate classification (germline): Benign. Review status: criteria provided, multiple submitters, no conflicts (2 of 4 stars). 2 submissions from 2 submitters: Benign (2). Last evaluated 2018-06-19.

Allele frequency attached by ClinVar (database versions not stated): 1000 Genomes Project 0.08247; gnomAD exomes 0.08351; 1000 Genomes Project 30x 0.08354; gnomAD 0.09797 and 0.09979; TOPMed 0.09849.

Submissions (2):

GeneDx
Classification: Benign. Last evaluated: 2018-06-19. Review status: criteria provided, single submitter. Criteria: GeneDx Variant Classification (06012015). Collection method: clinical testing. Allele origin: germline. Affected: yes.
Comment: This variant is considered likely benign or benign based on one or more of the following criteria: it is a conservative change, it occurs at a poorly conserved position in the protein, it is predicted to be benign by multiple in silico algorithms, and/or has population frequency not consistent with disease.

Breakthrough Genomics
Classification: Benign. Review status: criteria provided, single submitter. Criteria: ACMG Guidelines, 2015. Collection method: not provided. Allele origin: germline. Inheritance: Autosomal recessive inheritance. Affected: yes.